The following is an entry in ClinVar:

ClinVar aggregate classification (germline): Uncertain significance (1 of 4 stars; one submission).

Submission:

Ambry Genetics
Classification: Uncertain significance. Last evaluated: 2025-09-10. Review status: criteria provided, single submitter. Criteria: Ambry Variant Classification Scheme 2023. Collection method: clinical testing. Allele origin: germline.
Comment: The p.P1040S variant (also known as c.3118C>T), located in coding exon 12 of the WNK2 gene, results from a C to T substitution at nucleotide position 3118. The proline at codon 1040 is replaced by serine, an amino acid with similar properties. This amino acid position is conserved. In addition, this alteration is predicted to be tolerated by in silico analysis. Based on the available evidence, the clinical significance of this variant remains unclear.

NM_006648.4(WNK2):c.3118C>T (p.Pro1040Ser)

Gene: WNK2 (WNK lysine deficient protein kinase 2; plus strand). Cytogenetic location: 9q22.31.
Variant type: single nucleotide variant.
Coding change: c.3118C>T on transcript NM_006648.4 (MANE Select); coding-DNA position 3118, C replaced by T.
Protein change: p.Pro1040Ser; replaces proline 1040 with serine.
Molecular consequence: missense variant.
Genome position (GRCh38, 1-based): chr9:93,261,865, C>T. VCF-style: chr9-93261865-C-T. GRCh37 (hg19) VCF-style: chr9-96024147-C-T.
Other names: c.3118C>T, p.Pro1040Ser (NM_001282394.3); short protein forms P1040S.
Identifiers: ClinVar variation 4201890 (VCV004201890.1).